The following is an entry in ClinVar:

ClinVar aggregate classification (germline): Uncertain significance. Review status: criteria provided, multiple submitters, no conflicts (2 of 4 stars). 2 submissions from 2 submitters: Uncertain significance (2). Last evaluated 2024-02-23.

Conditions:
Hereditary cancer-predisposing syndrome. Also called: Tumor predisposition; Neoplastic Syndromes, Hereditary; Hereditary Cancer Syndrome; Hereditary neoplastic syndrome. Identifiers: Orphanet 140162, MedGen C0027672, MeSH D009386, MONDO:0015356.
Tumor predisposition syndrome 3 (TPDS3). Also called: Melanoma, cutaneous malignant, susceptibility to, 10; LONG TELOMERE SYNDROME, POT1-RELATED; POT1 Tumor Predisposition; Glioma susceptibility 9. Identifiers: Orphanet 618, MedGen C4014476, MONDO:0014368, OMIM 615848.

Submissions (2):

Ambry Genetics
Classification: Uncertain significance for Hereditary cancer-predisposing syndrome. Last evaluated: 2024-02-23. Review status: criteria provided, single submitter. Criteria: Ambry Variant Classification Scheme 2023. Collection method: clinical testing. Allele origin: germline.
Comment: The p.V46F variant (also known as c.136G>T), located in coding exon 3 of the POT1 gene, results from a G to T substitution at nucleotide position 136. The valine at codon 46 is replaced by phenylalanine, an amino acid with highly similar properties. This amino acid position is conserved. In addition, the in silico prediction for this alteration is inconclusive. Based on the available evidence, the clinical significance of this alteration remains unclear.

Labcorp Genetics (formerly Invitae), Labcorp
Classification: Uncertain significance for Tumor predisposition syndrome 3. Last evaluated: 2023-02-06. Review status: criteria provided, single submitter. Criteria: Invitae Variant Classification Sherloc (09022015). Collection method: clinical testing. Allele origin: germline.
Comment: This variant has not been reported in the literature in individuals affected with POT1-related conditions. ClinVar contains an entry for this variant (Variation ID: 1501350). Advanced modeling of protein sequence and biophysical properties (such as structural, functional, and spatial information, amino acid conservation, physicochemical variation, residue mobility, and thermodynamic stability) performed at Invitae indicates that this missense variant is not expected to disrupt POT1 protein function. In summary, the available evidence is currently insufficient to determine the role of this variant in disease. Therefore, it has been classified as a Variant of Uncertain Significance. This variant is not present in population databases (gnomAD no frequency). This sequence change replaces valine, which is neutral and non-polar, with phenylalanine, which is neutral and non-polar, at codon 46 of the POT1 protein (p.Val46Phe).

NM_015450.3(POT1):c.136G>T (p.Val46Phe)

Gene: POT1 (protection of telomeres 1; minus strand). Cytogenetic location: 7q31.33.
Variant type: single nucleotide variant.
Coding change: c.136G>T on transcript NM_015450.3 (MANE Select); coding-DNA position 136, G replaced by T.
Protein change: p.Val46Phe; replaces valine 46 with phenylalanine.
Molecular consequence: missense variant. On other transcripts: non-coding transcript variant (3), intron variant (1).
Genome position (GRCh38, 1-based): chr7:124,871,030, C>A on the plus strand (G>T on the coding strand, the complement: POT1 is on the minus strand). VCF-style: chr7-124871030-C-A. GRCh37 (hg19) VCF-style: chr7-124511084-C-A.
Other names: c.136G>T (NM_015450.2); c.-138-7390G>T (NM_001042594.2); short protein forms V46F.
Identifiers: ClinVar variation 1501350 (VCV001501350.7), dbSNP rs2116567839, ClinGen allele CA369061702.